The following is an entry in ClinVar:

NM_005591.4(MRE11):c.716A>G (p.Asp239Gly)

Gene: MRE11 (MRE11 double strand break repair nuclease; minus strand). Cytogenetic location: 11q21.
Variant type: single nucleotide variant.
Coding change: c.716A>G on transcript NM_005591.4 (MANE Select); coding-DNA position 716, A replaced by G.
Protein change: p.Asp239Gly; replaces aspartic acid 239 with glycine.
Molecular consequence: missense variant.
Genome position (GRCh38, 1-based): chr11:94,471,703, T>C on the plus strand (A>G on the coding strand, the complement: MRE11 is on the minus strand). VCF-style: chr11-94471703-T-C. GRCh37 (hg19) VCF-style: chr11-94204869-T-C.
Other names: c.716A>G, p.Asp239Gly (NM_001330347.2, NM_005590.4); short protein forms D239G.
Identifiers: ClinVar variation 232293 (VCV000232293.13), dbSNP rs876659678, ClinGen allele CA10579400.

ClinVar aggregate classification (germline): Uncertain significance. Review status: criteria provided, multiple submitters, no conflicts (2 of 4 stars). 2 submissions from 2 submitters: Uncertain significance (2). Last evaluated 2024-04-06.

Conditions:
Hereditary cancer-predisposing syndrome. Also called: Neoplastic Syndromes, Hereditary; Tumor predisposition; Hereditary Cancer Syndrome; Hereditary neoplastic syndrome. Identifiers: Orphanet 140162, MedGen C0027672, MeSH D009386, MONDO:0015356.
Ataxia-telangiectasia-like disorder (ATLD). Identifiers: MedGen C1858391, MONDO:0011457.

Allele frequency attached by ClinVar (database versions not stated): TOPMed below 0.00001; gnomAD 0.00001; gnomAD exomes below 0.00001.
gnomAD v4.1: 2 of 1,612,526 alleles (0.00012%); highest among the groups gnomAD compares: Non-Finnish European, 0.00017%; no homozygotes.

Submissions (2):

Ambry Genetics
Classification: Uncertain significance for Hereditary cancer-predisposing syndrome. Last evaluated: 2024-04-06. Review status: criteria provided, single submitter. Criteria: Ambry Variant Classification Scheme 2023. Collection method: clinical testing. Allele origin: germline.
Comment: The p.D239G variant (also known as c.716A>G), located in coding exon 7 of the MRE11A gene, results from an A to G substitution at nucleotide position 716. The aspartic acid at codon 239 is replaced by glycine, an amino acid with similar properties. This amino acid position is well conserved in available vertebrate species. In addition, this alteration is predicted to be deleterious by in silico analysis. Since supporting evidence is limited at this time, the clinical significance of this alteration remains unclear.

Labcorp Genetics (formerly Invitae), Labcorp
Classification: Uncertain significance for Ataxia-telangiectasia-like disorder. Last evaluated: 2022-07-12. Review status: criteria provided, single submitter. Criteria: Invitae Variant Classification Sherloc (09022015). Collection method: clinical testing. Allele origin: germline.
Comment: This variant has not been reported in the literature in individuals affected with MRE11-related conditions. This variant is not present in population databases (gnomAD no frequency). This sequence change replaces aspartic acid, which is acidic and polar, with glycine, which is neutral and non-polar, at codon 239 of the MRE11 protein (p.Asp239Gly). ClinVar contains an entry for this variant (Variation ID: 232293). In summary, the available evidence is currently insufficient to determine the role of this variant in disease. Therefore, it has been classified as a Variant of Uncertain Significance. Algorithms developed to predict the effect of missense changes on protein structure and function are either unavailable or do not agree on the potential impact of this missense change (SIFT: "Tolerated"; PolyPhen-2: "Probably Damaging"; Align-GVGD: "Class C0").